The following is an entry in ClinVar:

ClinVar aggregate classification (germline): Uncertain significance (1 of 4 stars; one submission).

Conditions:
Cardiomyopathy (CMYO). Also called: Cardiomyopathies. Identifiers: Orphanet 167848, MedGen C0878544, MONDO:0004994, HP:0001638. Inheritance: Various modes of inheritance.

Submission:

Color Diagnostics, LLC DBA Color Health
Classification: Uncertain significance for Cardiomyopathy. Last evaluated: 2024-03-07. Review status: criteria provided, single submitter. Criteria: ACMG Guidelines, 2015. Collection method: clinical testing. Allele origin: germline.
Comment: This missense variant replaces tyrosine with asparagine at codon 3892 of the RYR2 protein. Computational prediction suggests that this variant may have deleterious impact on protein structure and function (internally defined REVEL score threshold >= 0.7, PMID: 27666373). Splice site prediction tools suggest that this variant may not impact RNA splicing. To our knowledge, functional studies have not been performed for this variant. This variant has not been reported in individuals affected with cardiovascular disorders in the literature. This variant has not been identified in the general population by the Genome Aggregation Database (gnomAD). The available evidence is insufficient to determine the role of this variant in disease conclusively. Therefore, this variant is classified as a Variant of Uncertain Significance.

NM_001035.3(RYR2):c.11674T>A (p.Tyr3892Asn)

Gene: RYR2 (ryanodine receptor 2; plus strand). Cytogenetic location: 1q43.
Variant type: single nucleotide variant.
Coding change: c.11674T>A on transcript NM_001035.3 (MANE Select); coding-DNA position 11674, T replaced by A.
Protein change: p.Tyr3892Asn; replaces tyrosine 3892 with asparagine.
Molecular consequence: missense variant.
Genome position (GRCh38, 1-based): chr1:237,773,547, T>A. VCF-style: chr1-237773547-T-A. GRCh37 (hg19) VCF-style: chr1-237936847-T-A.
Other names: short protein forms Y3892N.
Identifiers: ClinVar variation 922723 (VCV000922723.5), dbSNP rs1694429616, ClinGen allele CA345407695.
Genomic context (GRCh38, chr1:237,773,547, plus strand): 5'-TTGATAATAAATAATATCATCTCTATTTCCCAGGAATCAATTAGTGACTTTTATTGGTAT[T>A]ACTCTGGGAAAGATGTTATTGATGAACAAGGACAACGGAATTTCTCCAAAGCTATCCAAG-3'
Protein context (NP_001026.2, residues 3882-3902): QESISDFYWY[Tyr3892Asn]SGKDVIDEQG